The following is an entry in ClinVar:

ClinVar aggregate classification (germline): Uncertain significance. Review status: criteria provided, multiple submitters, no conflicts (2 of 4 stars). 2 submissions from 2 submitters: Uncertain significance (2). Last evaluated 2022-10-26.

Conditions:
Charcot-Marie-Tooth disease type 4H (CMT4H). Also called: CHARCOT-MARIE-TOOTH DISEASE, AUTOSOMAL RECESSIVE, TYPE 4H; CHARCOT-MARIE-TOOTH DISEASE, DEMYELINATING, AUTOSOMAL RECESSIVE, TYPE 4H; CHARCOT-MARIE-TOOTH NEUROPATHY, TYPE 4H; CHARCOT-MARIE-TOOTH DISEASE, DEMYELINATING, TYPE 4H. Identifiers: Orphanet 99954, MedGen C1836336, MONDO:0012250, OMIM 609311.
Charcot-Marie-Tooth disease type 4. Also called: Charcot-Marie-Tooth, Type 4; Charcot-Marie-Tooth disease, type IV. Identifiers: Orphanet 64749, MedGen C4082197, MONDO:0018995.

Allele frequency attached by ClinVar (database versions not stated): gnomAD 0.00001; TOPMed 0.00001.
gnomAD v4.1: 45 of 1,613,878 alleles (0.0028%); highest among the groups gnomAD compares: Non-Finnish European, 0.0035%; no homozygotes.

Submissions (2):

Labcorp Genetics (formerly Invitae), Labcorp
Classification: Uncertain significance for Charcot-Marie-Tooth disease type 4. Last evaluated: 2022-10-26. Review status: criteria provided, single submitter. Criteria: Invitae Variant Classification Sherloc (09022015). Collection method: clinical testing. Allele origin: germline.
Comment: This sequence change replaces leucine, which is neutral and non-polar, with valine, which is neutral and non-polar, at codon 400 of the FGD4 protein (p.Leu400Val). This variant is present in population databases (rs750265200, gnomAD 0.002%). This variant has not been reported in the literature in individuals affected with FGD4-related conditions. ClinVar contains an entry for this variant (Variation ID: 308296). Algorithms developed to predict the effect of missense changes on protein structure and function (SIFT, PolyPhen-2, Align-GVGD) all suggest that this variant is likely to be disruptive. In summary, the available evidence is currently insufficient to determine the role of this variant in disease. Therefore, it has been classified as a Variant of Uncertain Significance.

Illumina Laboratory Services, Illumina
Classification: Uncertain significance for Charcot-Marie-Tooth disease type 4H. Last evaluated: 2018-01-12. Review status: criteria provided, single submitter. Criteria: ICSL Variant Classification Criteria 13 December 2019. Collection method: clinical testing. Allele origin: germline.

NM_001370298.3(FGD4):c.1609C>G (p.Leu537Val)

Gene: FGD4 (FYVE, RhoGEF and PH domain containing 4; plus strand). Cytogenetic location: 12p11.21.
Variant type: single nucleotide variant.
Coding change: c.1609C>G on transcript NM_001370298.3 (MANE Select); coding-DNA position 1609, C replaced by G.
Protein change: p.Leu537Val; replaces leucine 537 with valine.
Molecular consequence: missense variant.
Genome position (GRCh38, 1-based): chr12:32,611,143, C>G. VCF-style: chr12-32611143-C-G. GRCh37 (hg19) VCF-style: chr12-32764077-C-G.
Other names: c.1453C>G, p.Leu485Val (NM_001304481.2); c.454C>G, p.Leu152Val (NM_001304483.2); c.166C>G, p.Leu56Val (NM_001304484.2); c.919C>G, p.Leu307Val (NM_001330373.2, NM_001330374.2, NM_001384130.1); c.646C>G, p.Leu216Val (NM_001370297.1); c.1609C>G, p.Leu537Val (NM_001384126.1); c.1198C>G, p.Leu400Val (NM_001384127.1, NM_001384128.1, NM_001385118.1 and 1 more transcripts); short protein forms L400V, L485V, L56V, L152V, L216V, L307V, L537V.
Identifiers: ClinVar variation 308296 (VCV000308296.7), dbSNP rs750265200, ClinGen allele CA6506846.
Genomic context (GRCh38, chr12:32,611,143, plus strand): 5'-AAGCTACTAGGTTGAAACCTGCCTGTATGTGATCTTGCTGTTTTAATTTCCTAGGAGAAC[C>G]TAAAGAAACTCTTAGAGATTTATGAAATGTTGGGAGAAGAAGAAGACATTGTAAACCCTT-3'
Protein context (NP_001357227.2, residues 527-547): SNSAIRKMEN[Leu537Val]KKLLEIYEML